The following is an entry in ClinVar:

NM_001429.4(EP300):c.3763C>T (p.His1255Tyr)

Gene: EP300 (EP300 lysine acetyltransferase; plus strand). Cytogenetic location: 22q13.2.
Variant type: single nucleotide variant.
Coding change: c.3763C>T on transcript NM_001429.4 (MANE Select); coding-DNA position 3763, C replaced by T.
Protein change: p.His1255Tyr; replaces histidine 1255 with tyrosine.
Molecular consequence: missense variant.
Genome position (GRCh38, 1-based): chr22:41,164,087, C>T. VCF-style: chr22-41164087-C-T. GRCh37 (hg19) VCF-style: chr22-41560091-C-T.
Other names: c.3685C>T, p.His1229Tyr (NM_001362843.2); short protein forms H1255Y, H1229Y.
Identifiers: ClinVar variation 4995267 (VCV004995267.1).
Genomic context (GRCh38, chr22:41,164,087, plus strand): 5'-TTTTGGAATTGGCTCTGCTCTTCCAGGTTTGTTGAATGTACAGAGTGCGGAAGAAAGATG[C>T]ATCAGATCTGTGTCCTTCACCATGAGATCATCTGGCCTGCTGGGTAAGTCTTAACGTTGT-3'
Protein context (NP_001420.2, residues 1245-1265): VECTECGRKM[His1255Tyr]QICVLHHEII

ClinVar aggregate classification (germline): Uncertain significance (1 of 4 stars; one submission).

Conditions:
EP300-related disorder. Also called: EP300-related condition; EP300-related disorders.

Submission:

PreventionGenetics, part of Exact Sciences
Classification: Uncertain significance for EP300-related condition. Last evaluated: 2026-09-11. Review status: criteria provided, single submitter. Criteria: ACMG Guidelines, 2015. Collection method: clinical testing. Allele origin: germline.
Comment: The EP300 c.3763C>T variant is predicted to result in the amino acid substitution p.His1255Tyr. To our knowledge, this variant has not been reported in the literature or in a large population database (gnomAD), indicating this variant is rare. At this time, the clinical significance of this variant is uncertain due to the absence of conclusive functional and genetic evidence.